The following is an entry in ClinVar:

ClinVar aggregate classification (germline): Pathogenic. Review status: criteria provided, multiple submitters, no conflicts (2 of 4 stars). 2 submissions from 2 submitters: Pathogenic (2). Last evaluated 2022-11-15.

Allele frequency attached by ClinVar (database versions not stated): gnomAD exomes below 0.00001 and 0.00001; gnomAD 0.00001; TOPMed 0.00001.

Submissions (2):

Labcorp Genetics (formerly Invitae), Labcorp
Classification: Pathogenic. Last evaluated: 2022-11-15. Review status: criteria provided, single submitter. Criteria: Invitae Variant Classification Sherloc (09022015). Collection method: clinical testing. Allele origin: germline.
Comment: For these reasons, this variant has been classified as Pathogenic. ClinVar contains an entry for this variant (Variation ID: 598120). This variant has not been reported in the literature in individuals affected with GPR179-related conditions. This variant is present in population databases (no rsID available, gnomAD 0.002%). This sequence change creates a premature translational stop signal (p.Arg515*) in the GPR179 gene. It is expected to result in an absent or disrupted protein product. Loss-of-function variants in GPR179 are known to be pathogenic (PMID: 22325361, 22325362).

Eurofins Ntd Llc (ga)
Classification: Pathogenic. Last evaluated: 2018-07-27. Review status: criteria provided, single submitter. Criteria: EGL ClinVar v180209 classification definitions. Collection method: clinical testing. Allele origin: germline. Observed: 1 variant allele, 1 heterozygote.

Literature cited by the submitters: PubMed 22325361 (cited by Labcorp Genetics (formerly Invitae), Labcorp); PubMed 22325362 (cited by Labcorp Genetics (formerly Invitae), Labcorp).

NM_001004334.4(GPR179):c.1543C>T (p.Arg515Ter)

Gene: GPR179 (G protein-coupled receptor 179; minus strand). Cytogenetic location: 17q12.
Variant type: single nucleotide variant.
Coding change: c.1543C>T on transcript NM_001004334.4 (MANE Select); coding-DNA position 1543, C replaced by T.
Protein change: p.Arg515Ter; replaces arginine 515 with a stop codon.
Molecular consequence: nonsense.
Genome position (GRCh38, 1-based): chr17:38,335,135, G>A on the plus strand (C>T on the coding strand, the complement: GPR179 is on the minus strand). VCF-style: chr17-38335135-G-A. GRCh37 (hg19) VCF-style: chr17-36491018-G-A.
Other names: short protein forms R515*.
Identifiers: ClinVar variation 598120 (VCV000598120.10), dbSNP rs980007216, ClinGen allele CA290108652.